The following is an entry in ClinVar:

ClinVar aggregate classification (germline): Uncertain significance (1 of 4 stars; one submission).

Conditions:
Charcot-Marie-Tooth disease type 2. Also called: Charcot-Marie-Tooth type 2. Identifiers: Orphanet 64746, MedGen C0270914, MONDO:0018993.

Submission:

Labcorp Genetics (formerly Invitae), Labcorp
Classification: Uncertain significance for Charcot-Marie-Tooth disease type 2. Last evaluated: 2021-09-15. Review status: criteria provided, single submitter. Criteria: Invitae Variant Classification Sherloc (09022015). Collection method: clinical testing. Allele origin: germline.
Comment: This variant has not been reported in the literature in individuals affected with LMNA-related conditions. In summary, the available evidence is currently insufficient to determine the role of this variant in disease. Therefore, it has been classified as a Variant of Uncertain Significance. Algorithms developed to predict the effect of sequence changes on RNA splicing suggest that this variant may disrupt the consensus splice site. The frequency data for this variant in the population databases is not available, as this variant may be reported as separate entries in the ExAC database. This sequence change falls in intron 5 of the LMNA gene. It does not directly change the encoded amino acid sequence of the LMNA protein.

NM_170707.4(LMNA):c.937-9_937-8delinsAG

Gene: LMNA (lamin A/C; plus strand). Cytogenetic location: 1q22.
Variant type: Indel.
Coding change: c.937-9_937-8delinsAG on transcript NM_170707.4 (MANE Select); 9 bases into the intron before coding-DNA position 937 through 8 bases into the intron before coding-DNA position 937, CC replaced by AG.
Molecular consequence: intron variant.
Genome position (GRCh38, 1-based): chr1:156,135,892-156,135,893, CC replaced by AG. VCF-style: chr1-156135892-CC-AG. GRCh37 (hg19) VCF-style: chr1-156105683-CC-AG.
Other names: c.937-9_937-8delinsAG (NM_001282625.2, NM_001282626.2, NM_170708.4 and 1 more transcripts); c.601-9_601-8delinsAG (NM_001257374.3); c.694-9_694-8delinsAG (NM_001282624.2).
Identifiers: ClinVar variation 1381428 (VCV001381428.6), dbSNP rs2102886483, ClinGen allele CA2573130606.